The following is an entry in ClinVar:

NM_004239.4(TRIP11):c.5239A>G (p.Ile1747Val)

Gene: TRIP11 (thyroid hormone receptor interactor 11; minus strand). Cytogenetic location: 14q32.12.
Variant type: single nucleotide variant.
Coding change: c.5239A>G on transcript NM_004239.4 (MANE Select); coding-DNA position 5239, A replaced by G.
Protein change: p.Ile1747Val; replaces isoleucine 1747 with valine.
Molecular consequence: missense variant.
Genome position (GRCh38, 1-based): chr14:91,988,305, T>C on the plus strand (A>G on the coding strand, the complement: TRIP11 is on the minus strand). VCF-style: chr14-91988305-T-C. GRCh37 (hg19) VCF-style: chr14-92454649-T-C.
Other names: c.5236A>G, p.Ile1746Val (NM_001321851.1); short protein forms I1746V, I1747V.
Identifiers: ClinVar variation 713137 (VCV000713137.14), dbSNP rs137914270, ClinGen allele CA7313234.

ClinVar aggregate classification (germline): Likely benign. Review status: criteria provided, multiple submitters, no conflicts (2 of 4 stars). 2 submissions from 2 submitters: Likely benign (2). Last evaluated 2025-10-08.

Conditions:
Achondrogenesis, type IA (ACG1A). Identifiers: Orphanet 932, Orphanet 93299, MedGen C0265273, MONDO:0008701, OMIM 200600.

Allele frequency attached by ClinVar (database versions not stated): gnomAD 0.00016 and 0.00025; TOPMed 0.00020; ExAC 0.00046; gnomAD exomes 0.00052; 1000 Genomes Project 30x 0.00109; 1000 Genomes Project 0.00140.
gnomAD v4.1: 434 of 1,612,876 alleles (0.027%); highest among the groups gnomAD compares: East Asian, 0.93%; 4 homozygotes.

Submissions (2):

Labcorp Genetics (formerly Invitae), Labcorp
Classification: Likely benign for Achondrogenesis, type IA. Last evaluated: 2025-10-08. Review status: criteria provided, single submitter. Criteria: Invitae Variant Classification Sherloc (09022015). Collection method: clinical testing. Allele origin: germline.

Illumina Laboratory Services, Illumina
Classification: Likely benign for Achondrogenesis, type IA. Last evaluated: 2018-01-13. Review status: criteria provided, single submitter. Criteria: ICSL Variant Classification Criteria 13 December 2019. Collection method: clinical testing. Allele origin: germline.
Comment: This variant was observed in the ICSL laboratory as part of a predisposition screen in an ostensibly healthy population. It had not been previously curated by ICSL or reported in the Human Gene Mutation Database (HGMD: prior to June 1st, 2018), and was therefore a candidate for classification through an automated scoring system. Utilizing variant allele frequency, disease prevalence and penetrance estimates, and inheritance mode, an automated score was calculated to assess if this variant is too frequent to cause the disease. Based on the score and internal cut-off values, a variant classified as likely benign is not then subjected to further curation. The score for this variant resulted in a classification of likely benign for this disease.